The following is an entry in ClinVar:

NM_001365276.2(TNXB):c.3574C>T (p.Gln1192Ter)

Gene: TNXB (tenascin XB; minus strand). Cytogenetic location: 6p21.33.
Variant type: single nucleotide variant.
Coding change: c.3574C>T on transcript NM_001365276.2 (MANE Select); coding-DNA position 3574, C replaced by T.
Protein change: p.Gln1192Ter; replaces glutamine 1192 with a stop codon.
Molecular consequence: nonsense.
Genome position (GRCh38, 1-based): chr6:32,082,198, G>A on the plus strand (C>T on the coding strand, the complement: TNXB is on the minus strand). VCF-style: chr6-32082198-G-A. GRCh37 (hg19) VCF-style: chr6-32049975-G-A.
Other names: c.4315C>T, p.Gln1439Ter (NM_001428335.1); c.3574C>T, p.Gln1192Ter (NM_019105.8); short protein forms Q1192*, Q1439*.
Identifiers: ClinVar variation 5013158 (VCV005013158.1).

ClinVar aggregate classification (germline): Pathogenic (1 of 4 stars; one submission).

Conditions:
Ehlers-Danlos syndrome due to tenascin-X deficiency (EDSCLL1). Also called: Ehlers-Danlos syndrome, classic-like, 1; EHLERS-DANLOS SYNDROME, CLASSIC-LIKE; TNXB-Related Classical-Like Ehlers-Danlos Syndrome; EDS DUE TO TNX DEFICIENCY; TNX DEFICIENCY. Identifiers: Orphanet 230839, MedGen C1848029, MONDO:0011670, OMIM 606408.

gnomAD v4.1: 1 of 1,612,474 alleles (0.000062%); highest among the groups gnomAD compares: Admixed American, 0.0017%; no homozygotes.

Submission:

Myriad Genetics, Inc.
Classification: Pathogenic for Ehlers-Danlos syndrome due to tenascin-X deficiency. Last evaluated: 2024-06-09. Review status: criteria provided, single submitter. Criteria: Myriad Autosomal Dominant, Autosomal Recessive and X-Linked Classification Criteria (2023). Collection method: clinical testing. Allele origin: unknown.
Comment: NM_019105.6(TNXB):c.3574C>T(Q1192*) is expected to be pathogenic in the context of classical-like Ehlers-Danlos syndrome, TNXB-related. This variant is predicted to lead to an abnormal or absent protein product due to the creation of a premature termination codon in TNXB, a gene where loss-of-function variants are known to be pathogenic. Please note: this variant was assessed in the context of healthy population screening.